The following is an entry in ClinVar:

ClinVar aggregate classification (germline): Uncertain significance (1 of 4 stars; one submission).

Submission:

Labcorp Genetics (formerly Invitae), Labcorp
Classification: Uncertain significance. Last evaluated: 2023-03-18. Review status: criteria provided, single submitter. Criteria: Invitae Variant Classification Sherloc (09022015). Collection method: clinical testing. Allele origin: germline.
Comment: This sequence change replaces glycine, which is neutral and non-polar, with valine, which is neutral and non-polar, at codon 338 of the IRF2BP2 protein (p.Gly338Val). This variant is not present in population databases (gnomAD no frequency). This variant has not been reported in the literature in individuals affected with IRF2BP2-related conditions. An algorithm developed to predict the effect of missense changes on protein structure and function (PolyPhen-2) suggests that this variant is likely to be disruptive. In summary, the available evidence is currently insufficient to determine the role of this variant in disease. Therefore, it has been classified as a Variant of Uncertain Significance.

NM_182972.3(IRF2BP2):c.1013G>T (p.Gly338Val)

Genes: IRF2BP2 (interferon regulatory factor 2 binding protein 2; minus strand), LOC129932810 (ATAC-STARR-seq lymphoblastoid active region 2760; plus strand). Cytogenetic location: 1q42.3.
Variant type: single nucleotide variant.
Coding change: c.1013G>T on transcript NM_182972.3 (MANE Select); coding-DNA position 1013, G replaced by T.
Protein change: p.Gly338Val; replaces glycine 338 with valine.
Molecular consequence: missense variant. On other transcripts: intron variant (1).
Genome position (GRCh38, 1-based): chr1:234,608,482, C>A on the plus strand (G>T on the coding strand, the complement: IRF2BP2 is on the minus strand). VCF-style: chr1-234608482-C-A. GRCh37 (hg19) VCF-style: chr1-234744228-C-A.
Other names: c.1000+13G>T (NM_001077397.1); short protein forms G338V.
Identifiers: ClinVar variation 2847276 (VCV002847276.3), dbSNP rs1367007391, ClinGen allele CA345307248.